The following is an entry in ClinVar:

ClinVar aggregate classification (germline): Pathogenic/Likely pathogenic. Review status: criteria provided, multiple submitters, no conflicts (2 of 4 stars). 3 submissions from 3 submitters: Pathogenic (2); Likely pathogenic (1). Last evaluated 2025-03-12.

Conditions:
Congenital dyserythropoietic anemia, type II (CDAN2). Also called: DYSERYTHROPOIETIC ANEMIA, HEMPAS TYPE. Identifiers: Orphanet 98873, MedGen C1306589, MONDO:0009134, OMIM 224100.
Cowden syndrome 7 (CWS7). Identifiers: Orphanet 201, MedGen C4225179, MONDO:0014802, OMIM 616858.

Submissions (3):

BloodGenetics
Classification: Pathogenic for Congenital dyserythropoietic anemia, type II. Last evaluated: 2025-03-12. Review status: criteria provided, single submitter. Criteria: ACMG Guidelines, 2015. Collection method: clinical testing. Allele origin: germline. Affected: yes. Observed: 1 variant allele.
Comment: The NM_006363.6(SEC23B): c.2074_2077dupGATG (p.Asp693GlyfsTer2) frameshift variant alters the reading frame starting at codon 693, replacing aspartic acid with glycine and introducing a premature stop codon after two aberrant amino acids in the mutant reading frame of the SEC23B gene. This variant is reported as pathogenic/likely pathogenic by 2 laboratories in ClinVar (VCV.version: VCV003587099.2). This variant is present in population databases (rs1468581868, gnomAD 0.0004%). This case is published in paper PMID: 37373084 where functional studies for this variant and other variants were done. In summary, this variant meets criteria to be classified as pathogenic for CDA type II based on the ACMG/AMP criteria applied: PVS1 very strong, PM2 supporting, PP5 supporting.

Fulgent Genetics
Classification: Likely pathogenic for Congenital dyserythropoietic anemia, type II; Cowden syndrome 7. Last evaluated: 2024-06-04. Review status: criteria provided, single submitter. Criteria: ACMG Guidelines, 2015. Collection method: clinical testing. Allele origin: germline.

Labcorp Genetics (formerly Invitae), Labcorp
Classification: Pathogenic for Congenital dyserythropoietic anemia, type II; Cowden syndrome 7. Last evaluated: 2024-02-02. Review status: criteria provided, single submitter. Criteria: Invitae Variant Classification Sherloc (09022015). Collection method: clinical testing. Allele origin: germline.
Comment: This sequence change creates a premature translational stop signal (p.Asp693Glyfs*2) in the SEC23B gene. It is expected to result in an absent or disrupted protein product. Loss-of-function variants in SEC23B are known to be pathogenic (PMID: 19561605, 25044164). This variant is present in population databases (no rsID available, gnomAD 0.0009%). This variant has not been reported in the literature in individuals affected with SEC23B-related conditions. For these reasons, this variant has been classified as Pathogenic.

Literature cited by the submitters: PubMed 37373084 (cited by BloodGenetics); PubMed 19561605 (cited by Labcorp Genetics (formerly Invitae), Labcorp); PubMed 25044164 (cited by Labcorp Genetics (formerly Invitae), Labcorp).

NM_006363.6(SEC23B):c.2074_2077dup (p.Asp693delinsGlyTer)

Gene: SEC23B (SEC23 homolog B, COPII component; plus strand). Cytogenetic location: 20p11.23.
Variant type: Duplication.
Coding change: c.2074_2077dup on transcript NM_006363.6 (MANE Select); coding-DNA positions 2074 to 2077, 4 bases duplicated (GATG; older notation c.2074_2077dupGATG).
Protein change: p.Asp693delinsGlyTer.
Molecular consequence: nonsense.
Genome position (GRCh38, 1-based): chr20:18,554,316-18,554,319, GATG duplicated; duplicating any 4 consecutive bases within chr20:18,554,314-18,554,319 gives the same sequence; the c. name uses the placement nearest the transcript's 3' end. VCF-style (leftmost placement, unchanged base first): chr20-18554313-C-CTGGA. GRCh37 (hg19) VCF-style: chr20-18534957-C-CTGGA.
Other names: c.2074_2077dupGATG (NM_006363.6); c.2074_2077dup, p.Asp693delinsGlyTer (NM_001172745.3, NM_032985.6, NM_032986.5); c.2020_2023dup, p.Asp675delinsGlyTer (NM_001172746.3).
Identifiers: ClinVar variation 3587099 (VCV003587099.4).
Genomic context (GRCh38, chr20:18,554,313, plus strand): 5'-AAAGCTGGCTACCAGGACATGCCCGAGTATGAAAACTTCAAGCACCTTCTGCAGGCACCA[C>CTGGA]TGGATGATGCTCAAGAAATTCTGCAAGCACGCTTCCCGATGCCACGTTACATCAACACGG-3'